The following is an entry in ClinVar:

ClinVar aggregate classification (germline): Pathogenic (1 of 4 stars; one submission).

Conditions:
Epilepsy, childhood absence, susceptibility to, 1. Also called: Epilepsy, childhood absence 1. Identifiers: Orphanet 64280, MedGen C1838604, MONDO:0020759, OMIM 600131.
Epilepsy, childhood absence, susceptibility to, 5. Identifiers: Orphanet 64280, MedGen C2677087, MONDO:0012843, OMIM 612269.

Submission:

Labcorp Genetics (formerly Invitae), Labcorp
Classification: Pathogenic for Epilepsy, childhood absence, susceptibility to, 5; Epilepsy, childhood absence, susceptibility to, 1. Last evaluated: 2023-10-28. Review status: criteria provided, single submitter. Criteria: Invitae Variant Classification Sherloc (09022015). Collection method: clinical testing. Allele origin: unknown.
Comment: This variant is a gross deletion of the genomic region encompassing exon(s) 4-9 of the GABRB3 gene, which includes the termination codon. This deletion extends beyond the assayed region for this gene and therefore may encompass additional genes. While this deletion is not anticipated to lead to nonsense mediated decay, it is expected to alter mRNA translation or result in a truncated protein product. This variant has not been reported in the literature in individuals affected with GABRB3-related conditions. This variant disrupts a region of the GABRB3 protein in which other variant(s) (p.Asp352Thrfs*18) have been determined to be pathogenic (Invitae). This suggests that this is a clinically significant region of the protein, and that variants that disrupt it are likely to be disease-causing. For these reasons, this variant has been classified as Pathogenic.

NC_000015.9:g.(?_26792940)_(26866701_?)del

Gene: GABRB3 (gamma-aminobutyric acid type A receptor subunit beta3; minus strand). Cytogenetic location: 15q12.
Variant type: Deletion.
Identifiers: ClinVar variation 3243813 (VCV003243813.1).